The following is an entry in ClinVar:

NM_003322.6(TULP1):c.150del (p.Glu50fs)

Gene: TULP1 (TUB like protein 1; minus strand). Cytogenetic location: 6p21.31.
Variant type: Deletion.
Coding change: c.150del on transcript NM_003322.6 (MANE Select); coding-DNA position 150, one base deleted (A; older notation c.150delA).
Protein change: p.Glu50fs; shifts the reading frame from glutamic acid 50.
Molecular consequence: frameshift variant.
Genome position (GRCh38, 1-based): chr6:35,512,220, T deleted on the plus strand (A on the coding strand, the reverse complement: TULP1 is on the minus strand); the first of 2 consecutive T bases (chr6:35,512,220-35,512,221); deleting either gives the same sequence. VCF-style (leftmost placement, unchanged base first): chr6-35512219-AT-A. GRCh37 (hg19) VCF-style: chr6-35479996-AT-A.
Other names: c.150del, p.Glu50fs (NM_001289395.2); short protein forms E50fs.
Identifiers: ClinVar variation 3639011 (VCV003639011.2).

ClinVar aggregate classification (germline): Pathogenic (1 of 4 stars; one submission).

Submission:

Labcorp Genetics (formerly Invitae), Labcorp
Classification: Pathogenic. Last evaluated: 2024-02-05. Review status: criteria provided, single submitter. Criteria: Invitae Variant Classification Sherloc (09022015). Collection method: clinical testing. Allele origin: germline.
Comment: This sequence change creates a premature translational stop signal (p.Glu50Aspfs*59) in the TULP1 gene. It is expected to result in an absent or disrupted protein product. Loss-of-function variants in TULP1 are known to be pathogenic (PMID: 8606774, 10549638, 15024725, 18055821). This variant is not present in population databases (gnomAD no frequency). This variant has not been reported in the literature in individuals affected with TULP1-related conditions. For these reasons, this variant has been classified as Pathogenic.

Literature cited by the submitters: PubMed 8606774; PubMed 10549638; PubMed 15024725; PubMed 18055821.